The following is an entry in ClinVar:

NM_003072.5(SMARCA4):c.3949A>T (p.Met1317Leu)

Gene: SMARCA4 (SWI/SNF related BAF chromatin remodeling complex subunit ATPase 4; plus strand). Cytogenetic location: 19p13.2.
Variant type: single nucleotide variant.
Coding change: c.3949A>T on transcript NM_003072.5 (MANE Select); coding-DNA position 3949, A replaced by T.
Protein change: p.Met1317Leu; replaces methionine 1317 with leucine.
Molecular consequence: missense variant. On other transcripts: non-coding transcript variant (1).
Genome position (GRCh38, 1-based): chr19:11,034,198, A>T. VCF-style: chr19-11034198-A-T. GRCh37 (hg19) VCF-style: chr19-11144874-A-T.
Other names: c.3949A>T, p.Met1317Leu (NM_001128844.3, NM_001128849.3, NM_001387283.1); c.3850A>T, p.Met1284Leu (NM_001128845.2, NM_001128846.2, NM_001128847.4 and 3 more transcripts); short protein forms M1284L, M1317L.
Identifiers: ClinVar variation 4825113 (VCV004825113.1).

ClinVar aggregate classification (germline): Uncertain significance (1 of 4 stars; one submission).

Conditions:
Hereditary cancer-predisposing syndrome. Also called: Neoplastic Syndromes, Hereditary; Tumor predisposition; Hereditary Cancer Syndrome; Hereditary neoplastic syndrome. Identifiers: Orphanet 140162, MedGen C0027672, MeSH D009386, MONDO:0015356.

Submission:

Ambry Genetics
Classification: Uncertain significance for Hereditary cancer-predisposing syndrome. Last evaluated: 2026-01-17. Review status: criteria provided, single submitter. Criteria: Ambry Variant Classification Scheme 2023. Collection method: clinical testing. Allele origin: germline.
Comment: The p.M1317L variant (also known as c.3949A>T), located in coding exon 27 of the SMARCA4 gene, results from an A to T substitution at nucleotide position 3949. The methionine at codon 1317 is replaced by leucine, an amino acid with highly similar properties. This amino acid position is conserved. In addition, the in silico prediction for this alteration is inconclusive. Based on the available evidence, the clinical significance of this variant remains unclear.